The following is an entry in ClinVar:

NM_000218.3(KCNQ1):c.1394-8944G>C

Genes: KCNQ1 (potassium voltage-gated channel subfamily Q member 1; plus strand), KCNQ1OT1 (KCNQ1 opposite strand/antisense transcript 1; minus strand). Cytogenetic location: 11p15.5.
Variant type: single nucleotide variant.
Coding change: c.1394-8944G>C on transcript NM_000218.3 (MANE Select); 8944 bases into the intron before coding-DNA position 1394, G replaced by C.
Molecular consequence: intron variant. On other transcripts: non-coding transcript variant (1).
Genome position (GRCh38, 1-based): chr11:2,653,017, G>C. VCF-style: chr11-2653017-G-C. GRCh37 (hg19) VCF-style: chr11-2674247-G-C.
Other names: c.1124-8944G>C (NM_001406837.1); c.1298-8944G>C (NM_001406836.1); c.854-8944G>C (NM_001406838.1); c.1013-8944G>C (NM_181798.2).
Identifiers: ClinVar variation 3054544 (VCV003054544.2), dbSNP rs2493848592, ClinGen allele CA472181352.

ClinVar aggregate classification (germline): Likely benign (0 of 4 stars; one submission).

Conditions:
KCNQ1-related disorder. Also called: KCNQ1-related condition; KCNQ1-related disorders. Identifiers: MedGen CN239322.

Submission:

PreventionGenetics, part of Exact Sciences
Classification: Likely benign for KCNQ1-related condition. Last evaluated: 2020-04-24. Review status: no assertion criteria provided. Collection method: clinical testing. Allele origin: germline.
Comment: This variant is classified as likely benign based on ACMG/AMP sequence variant interpretation guidelines (Richards et al. 2015 PMID: 25741868, with internal and published modifications).